The following is an entry in ClinVar:

ClinVar aggregate classification (germline): Conflicting classifications of pathogenicity. Review status: criteria provided, conflicting classifications (1 of 4 stars). 2 submissions from 2 submitters: Uncertain significance (1); Likely benign (1). Last evaluated 2024-02-03.

Conditions:
Charcot-Marie-Tooth disease axonal type 2O. Also called: CHARCOT-MARIE-TOOTH NEUROPATHY, AXONAL, TYPE 2O; CHARCOT-MARIE-TOOTH DISEASE, AXONAL, AUTOSOMAL DOMINANT, TYPE 2O; Charcot-Marie-Tooth disease, axonal, type 20; Charcot-Marie-Tooth Neuropathy Type 2O. Identifiers: Orphanet 284232, MedGen C3280220, MONDO:0013644, OMIM 614228.

Allele frequency attached by ClinVar (database versions not stated): gnomAD exomes below 0.00001; ExAC 0.00001.
gnomAD v4.1: 3 of 1,613,658 alleles (0.00019%); highest among the groups gnomAD compares: Non-Finnish European, 0.00025%; no homozygotes.

Submissions (2):

GeneDx
Classification: Uncertain significance. Last evaluated: 2024-02-03. Review status: criteria provided, single submitter. Criteria: GeneDx Variant Classification Process June 2021. Collection method: clinical testing. Allele origin: germline. Affected: yes.
Comment: In silico analysis supports that this missense variant has a deleterious effect on protein structure/function; Has not been previously published as pathogenic or benign to our knowledge; This variant is associated with the following publications: (PMID: 25512093, 25609763, 26100331)

Labcorp Genetics (formerly Invitae), Labcorp
Classification: Likely benign for Charcot-Marie-Tooth disease axonal type 2O. Last evaluated: 2022-07-11. Review status: criteria provided, single submitter. Criteria: Invitae Variant Classification Sherloc (09022015). Collection method: clinical testing. Allele origin: germline.

NM_001376.5(DYNC1H1):c.13346G>A (p.Arg4449His)

Gene: DYNC1H1 (dynein cytoplasmic 1 heavy chain 1; plus strand). Cytogenetic location: 14q32.31.
Variant type: single nucleotide variant.
Coding change: c.13346G>A on transcript NM_001376.5 (MANE Select); coding-DNA position 13346, G replaced by A.
Protein change: p.Arg4449His; replaces arginine 4449 with histidine.
Molecular consequence: missense variant.
Genome position (GRCh38, 1-based): chr14:102,048,643, G>A. VCF-style: chr14-102048643-G-A. GRCh37 (hg19) VCF-style: chr14-102514980-G-A.
Other names: short protein forms R4449H.
Identifiers: ClinVar variation 938611 (VCV000938611.10), dbSNP rs777866900, ClinGen allele CA7354210.